The following is an entry in ClinVar:

NM_000719.7(CACNA1C):c.1054G>A (p.Ala352Thr)

Gene: CACNA1C (calcium voltage-gated channel subunit alpha1 C; plus strand). Cytogenetic location: 12p13.33.
Variant type: single nucleotide variant.
Coding change: c.1054G>A on transcript NM_000719.7 (MANE Select); coding-DNA position 1054, G replaced by A.
Protein change: p.Ala352Thr; replaces alanine 352 with threonine.
Molecular consequence: missense variant.
Genome position (GRCh38, 1-based): chr12:2,493,327, G>A. VCF-style: chr12-2493327-G-A. GRCh37 (hg19) VCF-style: chr12-2602493-G-A.
Other names: c.1054G>A, p.Ala352Thr (NM_001129827.2, NM_001129829.2, NM_001129830.3 and 18 more transcripts); c.1045G>A, p.Ala349Thr (NM_001129844.2); short protein forms A349T, A352T.
Identifiers: ClinVar variation 3826599 (VCV003826599.1).

ClinVar aggregate classification (germline): Uncertain significance (1 of 4 stars; one submission).

Conditions:
Cardiovascular phenotype. Identifiers: MedGen CN230736.

gnomAD v4.1: 2 of 1,614,140 alleles (0.00012%); highest among the groups gnomAD compares: Non-Finnish European, 0.00017%; no homozygotes.

Submission:

Ambry Genetics
Classification: Uncertain significance for Cardiovascular phenotype. Last evaluated: 2025-01-04. Review status: criteria provided, single submitter. Criteria: Ambry Variant Classification Scheme 2023. Collection method: clinical testing. Allele origin: germline.
Comment: The p.A352T variant (also known as c.1054G>A), located in coding exon 7 of the CACNA1C gene, results from a G to A substitution at nucleotide position 1054. The alanine at codon 352 is replaced by threonine, an amino acid with similar properties. This amino acid position is highly conserved in available vertebrate species. In addition, this alteration is predicted to be deleterious by in silico analysis. Based on the available evidence, the clinical significance of this variant remains unclear.